The following is an entry in ClinVar:

NM_001365536.1(SCN9A):c.3573C>T (p.His1191=)

Genes: SCN1A-AS1 (SCN1A and SCN9A antisense RNA 1; plus strand), SCN9A (sodium voltage-gated channel alpha subunit 9; minus strand). Cytogenetic location: 2q24.3.
Variant type: single nucleotide variant.
Coding change: c.3573C>T on transcript NM_001365536.1 (MANE Select); coding-DNA position 3573, C replaced by T.
Protein change: p.His1191=; no amino-acid change (histidine 1191 retained).
Molecular consequence: synonymous variant.
Genome position (GRCh38, 1-based): chr2:166,242,556, G>A on the plus strand (C>T on the coding strand, the complement: SCN9A is on the minus strand). VCF-style: chr2-166242556-G-A. GRCh37 (hg19) VCF-style: chr2-167099066-G-A.
Other names: c.3540C>T, p.His1180= (NM_002977.4).
Identifiers: ClinVar variation 517708 (VCV000517708.11), dbSNP rs375710841, ClinGen allele CA1944028.

ClinVar aggregate classification (germline): Likely benign. Review status: criteria provided, multiple submitters, no conflicts (2 of 4 stars). 4 submissions from 4 submitters: Likely benign (4). Last evaluated 2025-11-12.

Conditions:
Generalized epilepsy with febrile seizures plus, type 7 (GEFSP7). Also called: GEFS+, TYPE 7. Identifiers: Orphanet 36387, MedGen C2751778, MONDO:0013470, OMIM 613863.
Neuropathy, hereditary sensory and autonomic, type 2A (HSAN2A). Also called: ACROOSTEOLYSIS, GIACCAI TYPE; ACROOSTEOLYSIS, NEUROGENIC; WNK1-Related HSAN2 (HSAN2A); HSAN IIA; MORVAN DISEASE; NEUROPATHY, CONGENITAL SENSORY. Identifiers: Orphanet 970, MedGen C2752089, MONDO:0024309, OMIM 201300.

Allele frequency attached by ClinVar (database versions not stated): TOPMed 0.00004; gnomAD exomes 0.00009; ExAC 0.00013; gnomAD 0.00015 and 0.00016; ESP Exome Variant Server 0.00016.
gnomAD v4.1: 99 of 1,590,870 alleles (0.0062%); highest among the groups gnomAD compares: Non-Finnish European, 0.0057%; no homozygotes.

Submissions (4):

Labcorp Genetics (formerly Invitae), Labcorp
Classification: Likely benign for Neuropathy, hereditary sensory and autonomic, type 2A; Generalized epilepsy with febrile seizures plus, type 7. Last evaluated: 2025-11-12. Review status: criteria provided, single submitter. Criteria: Invitae Variant Classification Sherloc (09022015). Collection method: clinical testing. Allele origin: germline.

Laboratory of Genetics, Children's Clinical University Hospital Latvia
Classification: Likely benign. Last evaluated: 2025-02-16. Review status: criteria provided, single submitter. Criteria: ACMG Guidelines, 2015. Collection method: clinical testing. Allele origin: germline. Affected: yes.

Blueprint Genetics
Classification: Likely benign. Last evaluated: 2023-09-21. Review status: criteria provided, single submitter. Criteria: ACMG Guidelines, 2015. Collection method: clinical testing. Allele origin: germline.

GeneDx
Classification: Likely benign. Last evaluated: 2017-02-08. Review status: criteria provided, single submitter. Criteria: GeneDx Variant Classification (06012015). Collection method: clinical testing. Allele origin: germline. Affected: yes.
Comment: This variant is considered likely benign or benign based on one or more of the following criteria: it is a conservative change, it occurs at a poorly conserved position in the protein, it is predicted to be benign by multiple in silico algorithms, and/or has population frequency not consistent with disease.